The following is an entry in ClinVar:

NM_001281740.3(FHOD3):c.2123C>T (p.Ser708Leu)

Gene: FHOD3 (formin homology 2 domain containing 3; plus strand). Cytogenetic location: 18q12.2.
Variant type: single nucleotide variant.
Coding change: c.2123C>T on transcript NM_001281740.3 (MANE Select); coding-DNA position 2123, C replaced by T.
Protein change: p.Ser708Leu; replaces serine 708 with leucine.
Molecular consequence: missense variant.
Genome position (GRCh38, 1-based): chr18:36,693,310, C>T. VCF-style: chr18-36693310-C-T. GRCh37 (hg19) VCF-style: chr18-34273273-C-T.
Other names: c.1547C>T, p.Ser516Leu (NM_001281739.3); c.1598C>T, p.Ser533Leu (NM_025135.5); short protein forms S516L, S533L, S708L.
Identifiers: ClinVar variation 3895196 (VCV003895196.2), dbSNP rs748150318.

ClinVar aggregate classification (germline): Uncertain significance. Review status: criteria provided, multiple submitters, no conflicts (2 of 4 stars). 2 submissions from 2 submitters: Uncertain significance (2). Last evaluated 2026-04-22.

Conditions:
FHOD3-related disorder. Also called: FHOD3-related condition.
Cardiovascular phenotype. Identifiers: MedGen CN230736.

gnomAD v4.1: 41 of 1,613,754 alleles (0.0025%); highest among the groups gnomAD compares: Admixed American, 0.005%; no homozygotes.

Submissions (2):

PreventionGenetics, part of Exact Sciences
Classification: Uncertain significance for FHOD3-related condition. Last evaluated: 2026-04-22. Review status: criteria provided, single submitter. Criteria: ACMG Guidelines, 2015. Collection method: clinical testing. Allele origin: germline.
Comment: The FHOD3 c.2123C>T variant is predicted to result in the amino acid substitution p.Ser708Leu. To our knowledge, this variant has not been reported in the literature. This variant is reported in 0.0093% of alleles in individuals of European (Non-Finnish) descent in gnomAD. At this time, the clinical significance of this variant is uncertain due to the absence of conclusive functional and genetic evidence.

Molecular Diagnostic Laboratory for Inherited Cardiovascular Disease, Montreal Heart Institute
Classification: Uncertain significance for Cardiovascular phenotype. Last evaluated: 2025-04-09. Review status: criteria provided, single submitter. Criteria: ACMG Guidelines, 2015. Collection method: clinical testing. Allele origin: germline. Affected: yes.